The following is an entry in ClinVar:

ClinVar aggregate classification (germline): Pathogenic. Review status: criteria provided, multiple submitters, no conflicts (2 of 4 stars). 6 submissions from 6 submitters: Pathogenic (4). 2 of the submissions do not count toward it. Last evaluated 2025-10-14.

Conditions:
Osteogenesis imperfecta type 6. Also called: Osteogenesis imperfecta, type VI. Identifiers: Orphanet 666, MedGen C3279564, MONDO:0013515, OMIM 613982.

Submissions (6):

3billion
Classification: Pathogenic for Osteogenesis imperfecta type 6. Last evaluated: 2025-10-14. Review status: criteria provided, single submitter. Criteria: ACMG Guidelines, 2015. Collection method: clinical testing. Allele origin: germline. Affected: yes.
Comment: The variant is not observed in the gnomAD v4.1.0 dataset. Predicted Consequence/Location: Frameshift: predicted to result in a loss or disruption of normal protein function through nonsense-mediated decay (NMD) or protein truncation. Multiple pathogenic variants are reported downstream of the variant. The variant has been reported at least twice as pathogenic with clinical assertions and evidence for the classification (ClinVar ID: VCV000041894 /PMID: 23054245). Therefore, this variant is classified as Pathogenic according to the recommendation of ACMG/AMP guideline.

Genomic Medicine Center of Excellence, King Faisal Specialist Hospital and Research Centre
Classification: Pathogenic for Osteogenesis imperfecta type 6. Last evaluated: 2024-09-22. Review status: criteria provided, single submitter. Criteria: ACMG Guidelines, 2015. Collection method: clinical testing. Allele origin: germline.

Labcorp Genetics (formerly Invitae), Labcorp
Classification: Pathogenic. Last evaluated: 2023-11-04. Review status: criteria provided, single submitter. Criteria: Invitae Variant Classification Sherloc (09022015). Collection method: clinical testing. Allele origin: germline.
Comment: This sequence change creates a premature translational stop signal (p.Val218Glufs*22) in the SERPINF1 gene. It is expected to result in an absent or disrupted protein product. Loss-of-function variants in SERPINF1 are known to be pathogenic (PMID: 21353196, 21826736). This variant is not present in population databases (gnomAD no frequency). This premature translational stop signal has been observed in individuals with osteogenesis imperfecta (PMID: 23054245, 29620724). ClinVar contains an entry for this variant (Variation ID: 41894). For these reasons, this variant has been classified as Pathogenic.

Eurofins Ntd Llc (ga)
Classification: Pathogenic. Last evaluated: 2017-07-24. Review status: criteria provided, single submitter. Criteria: EGL Classification Definitions 2015. Collection method: clinical testing. Allele origin: germline. Observed: 1 variant allele, 1 homozygote.

Bioscientia Institut fuer Medizinische Diagnostik GmbH, Sonic Healthcare
Classification: Pathogenic for Osteogenesis imperfecta type 6. Last evaluated: 2017-04-20. Review status: no assertion criteria provided. Collection method: clinical testing. Allele origin: germline. Affected: yes. Not counted in ClinVar's aggregate classification.

OMIM
Classification: Pathogenic for OSTEOGENESIS IMPERFECTA, TYPE VI. Last evaluated: 2012-10-01. Review status: no assertion criteria provided. Collection method: literature only. Allele origin: germline. Not counted in ClinVar's aggregate classification.

Literature cited by the submitters: PubMed 23054245 (cited by 4 submitters); PubMed 21353196 (cited by Labcorp Genetics (formerly Invitae), Labcorp); PubMed 21826736 (cited by Labcorp Genetics (formerly Invitae), Labcorp); PubMed 29620724 (cited by Labcorp Genetics (formerly Invitae), Labcorp).

NM_002615.7(SERPINF1):c.653del (p.Val218fs)

Gene: SERPINF1 (serpin family F member 1; plus strand). Cytogenetic location: 17p13.3.
Variant type: Deletion.
Coding change: c.653del on transcript NM_002615.7 (MANE Select); coding-DNA position 653, one base deleted (T; older notation c.653delT).
Protein change: p.Val218fs; shifts the reading frame from valine 218.
Molecular consequence: frameshift variant.
Genome position (GRCh38, 1-based): chr17:1,775,067, T deleted. VCF-style (leftmost placement, unchanged base first): chr17-1775066-GT-G. GRCh37 (hg19) VCF-style: chr17-1678360-GT-G.
Other names: c.653del, p.Val218fs (NM_001329903.2); c.92del, p.Val31fs (NM_001329904.2, NM_001329905.2); short protein forms V31fs, V218fs.
Identifiers: ClinVar variation 41894 (VCV000041894.11), dbSNP rs398122520, ClinGen allele CA130894.